The following is an entry in ClinVar:

NM_001008212.2(OPTN):c.780-1G>C

Gene: OPTN (optineurin; plus strand). Cytogenetic location: 10p13.
Variant type: single nucleotide variant.
Coding change: c.780-1G>C on transcript NM_001008212.2 (MANE Select); the canonical splice acceptor site of the intron before coding-DNA position 780, G replaced by C.
Molecular consequence: splice acceptor variant.
Genome position (GRCh38, 1-based): chr10:13,122,384, G>C. VCF-style: chr10-13122384-G-C. GRCh37 (hg19) VCF-style: chr10-13164384-G-C.
Other names: c.780-1G>C (NM_001008211.1, NM_001008213.1, NM_021980.4).
Identifiers: ClinVar variation 1486689 (VCV001486689.8), dbSNP rs759311192, ClinGen allele CA203266919.

ClinVar aggregate classification (germline): Likely pathogenic (1 of 4 stars; one submission).

Conditions:
Primary open angle glaucoma (POAG). Also called: OPTN-related open angle glaucoma. Identifiers: MedGen C0339573, MONDO:0100553, OMIM 137760.
Glaucoma 1, open angle, E. Identifiers: MedGen C1842026, MONDO:0007665.
Amyotrophic lateral sclerosis type 12 (ALS12). Also called: AMYOTROPHIC LATERAL SCLEROSIS 12 WITH OR WITHOUT FRONTOTEMPORAL DEMENTIA. Identifiers: Orphanet 803, MedGen C3150692, MONDO:0013264, OMIM 613435.

Allele frequency attached by ClinVar (database versions not stated): gnomAD exomes below 0.00001.
gnomAD v4.1: 3 of 1,606,482 alleles (0.00019%); highest among the groups gnomAD compares: Non-Finnish European, 0.00026%; no homozygotes.

Submission:

Labcorp Genetics (formerly Invitae), Labcorp
Classification: Likely pathogenic for Primary open angle glaucoma; Glaucoma 1, open angle, E; Amyotrophic lateral sclerosis type 12. Last evaluated: 2021-05-31. Review status: criteria provided, single submitter. Criteria: Invitae Variant Classification Sherloc (09022015). Collection method: clinical testing. Allele origin: germline.
Comment: In summary, the currently available evidence indicates that the variant is pathogenic, but additional data are needed to prove that conclusively. Therefore, this variant has been classified as Likely Pathogenic. Algorithms developed to predict the effect of sequence changes on RNA splicing suggest that this variant may disrupt the consensus splice site, but this prediction has not been confirmed by published transcriptional studies. This variant has not been reported in the literature in individuals with OPTN-related conditions. This variant is not present in population databases (ExAC no frequency). This sequence change affects an acceptor splice site in intron 6 of the OPTN gene. It is expected to disrupt RNA splicing. Variants that disrupt the donor or acceptor splice site typically lead to a loss of protein function (PMID: 16199547), and loss-of-function variants in OPTN are known to be pathogenic (PMID: 20428114).

Literature cited by the submitters: PubMed 16199547; PubMed 20428114.